The following is an entry in ClinVar:

ClinVar aggregate classification (germline): Uncertain significance (1 of 4 stars; one submission).

Submission:

Dasa
Classification: Uncertain significance. Last evaluated: 2026-02-18. Review status: criteria provided, single submitter. Criteria: DASA Assertion Criteria. Collection method: clinical testing. Allele origin: germline.
Comment: NM_000138.5(FBN1):c.5789-28T>C is an intronic variant. This variant is rare in population databases. The currently available literature and clinical evidence are not sufficient to establish a definitive association between this variant and the reported condition. Therefore, this variant is classified as a variant of uncertain significance.

NM_000138.5(FBN1):c.5789-28T>C

Gene: FBN1 (fibrillin 1; minus strand). Cytogenetic location: 15q21.1.
Variant type: single nucleotide variant.
Coding change: c.5789-28T>C on transcript NM_000138.5 (MANE Select); 28 bases into the intron before coding-DNA position 5789, T replaced by C.
Molecular consequence: intron variant.
Genome position (GRCh38, 1-based): chr15:48,445,532, A>G on the plus strand (T>C on the coding strand, the complement: FBN1 is on the minus strand). VCF-style: chr15-48445532-A-G. GRCh37 (hg19) VCF-style: chr15-48737729-A-G.
Other names: c.5789-28T>C (NM_001406716.1).
Identifiers: ClinVar variation 4885887 (VCV004885887.2).